The following is an entry in ClinVar:

ClinVar aggregate classification (germline): Uncertain significance (1 of 4 stars; one submission).

Conditions:
Spinocerebellar ataxia type 5 (SCA5). Identifiers: Orphanet 98766, MedGen C0752123, MONDO:0010848, OMIM 600224.

Submission:

Clinical Omics and Informatics (COIN) Unit, Neuroscience Institute, University Of Cape Town
Classification: Uncertain significance for Spinocerebellar ataxia type 5. Last evaluated: 2025-02-10. Review status: criteria provided, single submitter. Criteria: ACMG Guidelines, 2015. Collection method: research. Allele origin: germline. Inheritance: Autosomal dominant inheritance. Affected: yes. Observed: 1 heterozygote.
Comment: Variant absent from gnomAD v4.0 (adequate coverage >20X confirmed). PP3 Met: REVEL score is 0.68. PM5 Met: Heterozygous SPTBN2 c.486C>G p.I162M variant reported to segregate (autosomal dominant, n=6 segregations) in a Chinese pedigree with affected individuals presenting cerebellar ataxia and dysarthria (AAO 32-55 years) (PMID:33797620).

NM_006946.4(SPTBN2):c.485T>A (p.Ile162Asn)

Gene: SPTBN2 (spectrin beta, non-erythrocytic 2; minus strand). Cytogenetic location: 11q13.2.
Variant type: single nucleotide variant.
Coding change: c.485T>A on transcript NM_006946.4 (MANE Select); coding-DNA position 485, T replaced by A.
Protein change: p.Ile162Asn; replaces isoleucine 162 with asparagine.
Molecular consequence: missense variant.
Genome position (GRCh38, 1-based): chr11:66,714,406, A>T on the plus strand (T>A on the coding strand, the complement: SPTBN2 is on the minus strand). VCF-style: chr11-66714406-A-T. GRCh37 (hg19) VCF-style: chr11-66481877-A-T.
Other names: c.506T>A, p.Ile169Asn (NM_001411025.1); short protein forms I162N, I169N.
Identifiers: ClinVar variation 3731299 (VCV003731299.2).